The following is an entry in ClinVar:

ClinVar aggregate classification (germline): Uncertain significance. Review status: criteria provided, multiple submitters, no conflicts (2 of 4 stars). 2 submissions from 2 submitters: Uncertain significance (2). Last evaluated 2024-02-14.

Conditions:
Tay-Sachs disease, variant AB. Also called: Gm2-gangliosidosis, ab variant; GM2 Activator Deficiency. Identifiers: Orphanet 309246, MedGen C0268275, MONDO:0010099, OMIM 272750.

Allele frequency attached by ClinVar (database versions not stated): TOPMed 0.00015; gnomAD 0.00020 and 0.00023; ESP Exome Variant Server 0.00031.
gnomAD v4.1: 339 of 1,612,356 alleles (0.021%); highest among the groups gnomAD compares: Non-Finnish European, 0.027%; no homozygotes.

Submissions (3):

Mayo Clinic Laboratories, Mayo Clinic
Classification: Uncertain significance. Last evaluated: 2024-02-14. Review status: criteria provided, single submitter. Criteria: ACMG Guidelines, 2015. Collection method: clinical testing. Allele origin: germline. Observed: 1 variant allele.

Labcorp Genetics (formerly Invitae), Labcorp
Classification: Uncertain significance for Tay-Sachs disease, variant AB. Last evaluated: 2022-07-27. Review status: criteria provided, single submitter. Criteria: Invitae Variant Classification Sherloc (09022015). Collection method: clinical testing. Allele origin: germline.
Comment: In summary, the available evidence is currently insufficient to determine the role of this variant in disease. Therefore, it has been classified as a Variant of Uncertain Significance. Algorithms developed to predict the effect of sequence changes on RNA splicing suggest that this variant may disrupt the consensus splice site. Algorithms developed to predict the effect of missense changes on protein structure and function output the following: SIFT: "Tolerated"; PolyPhen-2: "Benign"; Align-GVGD: "Class C0". The leucine amino acid residue is found in multiple mammalian species, which suggests that this missense change does not adversely affect protein function. ClinVar contains an entry for this variant (Variation ID: 1420229). This variant has not been reported in the literature in individuals affected with GM2A-related conditions. This variant is present in population databases (rs139014924, gnomAD 0.03%). This sequence change replaces valine, which is neutral and non-polar, with leucine, which is neutral and non-polar, at codon 82 of the GM2A protein (p.Val82Leu).

Dr. Peter K. Rogan Lab, Western University
No classification provided (evidence only). Condition: Cervical cancer. Review status: no classification provided. Collection method: in vitro. Allele origin: not applicable. Functional consequence: retained intron. Not counted in ClinVar's aggregate classification.

NM_000405.5(GM2A):c.244G>C (p.Val82Leu)

Gene: GM2A (ganglioside GM2 activator; plus strand). Cytogenetic location: 5q33.1.
Variant type: single nucleotide variant.
Coding change: c.244G>C on transcript NM_000405.5 (MANE Select); coding-DNA position 244, G replaced by C.
Protein change: p.Val82Leu; replaces valine 82 with leucine.
Molecular consequence: missense variant.
Genome position (GRCh38, 1-based): chr5:151,266,731, G>C. VCF-style: chr5-151266731-G-C. GRCh37 (hg19) VCF-style: chr5-150646292-G-C.
Other names: p.Val82Leu; c.244G>C, p.Val82Leu (NM_001167607.3); short protein forms V82L.
Identifiers: ClinVar variation 1420229 (VCV001420229.8), dbSNP rs139014924, ClinGen allele CA3517915.